The following is an entry in ClinVar:

ClinVar aggregate classification (germline): Uncertain significance (1 of 4 stars; one submission).

Conditions:
Long QT syndrome (LQTS). Identifiers: MedGen C0023976, MeSH D008133, MONDO:0002442. Disease mechanism: loss of function. Inheritance: Various modes of inheritance.

Submission:

Labcorp Genetics (formerly Invitae), Labcorp
Classification: Uncertain significance for Long QT syndrome. Last evaluated: 2024-11-19. Review status: criteria provided, single submitter. Criteria: Invitae Variant Classification Sherloc (09022015). Collection method: clinical testing. Allele origin: germline.
Comment: This sequence change replaces leucine, which is neutral and non-polar, with methionine, which is neutral and non-polar, at codon 1094 of the KCNH2 protein (p.Leu1094Met). Information on the frequency of this variant in the gnomAD database is not available, as this variant may be reported differently in the database. This variant has not been reported in the literature in individuals affected with KCNH2-related conditions. ClinVar contains an entry for this variant (Variation ID: 962100). Experimental studies and prediction algorithms are not available or were not evaluated, and the functional significance of this variant is currently unknown. In summary, the available evidence is currently insufficient to determine the role of this variant in disease. Therefore, it has been classified as a Variant of Uncertain Significance.

NM_000238.4(KCNH2):c.3279_3280delinsAA (p.Leu1094Met)

Gene: KCNH2 (potassium voltage-gated channel subfamily H member 2; minus strand). Cytogenetic location: 7q36.1.
Variant type: Indel.
Coding change: c.3279_3280delinsAA on transcript NM_000238.4 (MANE Select); coding-DNA positions 3279 to 3280, GC replaced by AA.
Protein change: p.Leu1094Met; replaces leucine 1094 with methionine.
Molecular consequence: missense variant.
Genome position (GRCh38, 1-based): chr7:150,946,927-150,946,928, GC replaced by TT on the plus strand (GC replaced by AA on the coding strand, the reverse complement: KCNH2 is on the minus strand). VCF-style: chr7-150946927-GC-TT. GRCh37 (hg19) VCF-style: chr7-150644015-GC-TT.
Other names: c.2259_2260delinsAA, p.Leu754Met (NM_172057.3); short protein forms L754M, L1094M.
Identifiers: ClinVar variation 962100 (VCV000962100.9), dbSNP rs1800911944, ClinGen allele CA1139660327.